The following is an entry in ClinVar:

NM_016604.4(KDM3B):c.4631A>G (p.Tyr1544Cys)

Gene: KDM3B (lysine demethylase 3B; plus strand). Cytogenetic location: 5q31.2.
Variant type: single nucleotide variant.
Coding change: c.4631A>G on transcript NM_016604.4 (MANE Select); coding-DNA position 4631, A replaced by G.
Protein change: p.Tyr1544Cys; replaces tyrosine 1544 with cysteine.
Molecular consequence: missense variant.
Genome position (GRCh38, 1-based): chr5:138,427,317, A>G. VCF-style: chr5-138427317-A-G. GRCh37 (hg19) VCF-style: chr5-137763006-A-G.
Other names: c.4631A>G (NM_016604.3); short protein forms Y1544C.
Identifiers: ClinVar variation 2505249 (VCV002505249.2), dbSNP rs2480323492, ClinGen allele CA361094082.

ClinVar aggregate classification (germline): Pathogenic. Review status: criteria provided, multiple submitters, no conflicts (2 of 4 stars). 2 submissions from 2 submitters: Pathogenic (2). Last evaluated 2023-01-27.

Conditions:
Diets-Jongmans syndrome. Also called: INTELLECTUAL DEVELOPMENTAL DISORDER WITH DISTINCTIVE FACIAL DYSMORPHISM. Identifiers: MedGen C5394263, MONDO:0030012, OMIM 618846.

Allele frequency attached by ClinVar (database versions not stated): gnomAD exomes below 0.00001.
gnomAD v4.1: 2 of 1,611,486 alleles (0.00012%); highest among the groups gnomAD compares: Non-Finnish European, 0.00017%; no homozygotes.

Submissions (2):

Greenwood Genetic Center Diagnostic Laboratories, Greenwood Genetic Center
Classification: Pathogenic for Diets-Jongmans syndrome. Last evaluated: 2023-01-27. Review status: criteria provided, single submitter. Criteria: ACMG Guidelines, 2015. Collection method: clinical testing. Allele origin: germline. Affected: yes.
Comment: PS2, PS4_Supporting, PM1, PM2, PP2, PP3

GeneDx
Classification: Pathogenic. Last evaluated: 2023-01-20. Review status: criteria provided, single submitter. Criteria: GeneDx Variant Classification Process June 2021. Collection method: clinical testing. Allele origin: germline. Affected: yes.
Comment: Not observed at significant frequency in large population cohorts (gnomAD); In silico analysis supports that this missense variant has a deleterious effect on protein structure/function; This variant is associated with the following publications: (PMID: 32801363, 30929739)